The following is an entry in ClinVar:

ClinVar aggregate classification (germline): Uncertain significance (1 of 4 stars; one submission).

Conditions:
Hypertrophic cardiomyopathy. Also called: HYPERTROPHIC MYOCARDIOPATHY. Identifiers: Orphanet 217569, MedGen C0007194, MeSH D002312, MONDO:0005045, HP:0001639.

gnomAD v4.1: 2 of 1,601,112 alleles (0.00012%); highest among the groups gnomAD compares: Non-Finnish European, 0.00017%; no homozygotes.

Submission:

Labcorp Genetics (formerly Invitae), Labcorp
Classification: Uncertain significance for Hypertrophic cardiomyopathy. Last evaluated: 2024-07-16. Review status: criteria provided, single submitter. Criteria: Invitae Variant Classification Sherloc (09022015). Collection method: clinical testing. Allele origin: germline.
Comment: This sequence change replaces arginine, which is basic and polar, with glycine, which is neutral and non-polar, at codon 246 of the MYOM1 protein (p.Arg246Gly). This variant is not present in population databases (gnomAD no frequency). This variant has not been reported in the literature in individuals affected with MYOM1-related conditions. Advanced modeling of protein sequence and biophysical properties (such as structural, functional, and spatial information, amino acid conservation, physicochemical variation, residue mobility, and thermodynamic stability) performed at Invitae indicates that this missense variant is not expected to disrupt MYOM1 protein function with a negative predictive value of 80%. In summary, the available evidence is currently insufficient to determine the role of this variant in disease. Therefore, it has been classified as a Variant of Uncertain Significance.

NM_003803.4(MYOM1):c.736C>G (p.Arg246Gly)

Gene: MYOM1 (myomesin 1; minus strand). Cytogenetic location: 18p11.31.
Variant type: single nucleotide variant.
Coding change: c.736C>G on transcript NM_003803.4 (MANE Select); coding-DNA position 736, C replaced by G.
Protein change: p.Arg246Gly; replaces arginine 246 with glycine.
Molecular consequence: missense variant.
Genome position (GRCh38, 1-based): chr18:3,188,783, G>C on the plus strand (C>G on the coding strand, the complement: MYOM1 is on the minus strand). VCF-style: chr18-3188783-G-C. GRCh37 (hg19) VCF-style: chr18-3188781-G-C.
Other names: c.736C>G, p.Arg246Gly (NM_019856.2); short protein forms R246G.
Identifiers: ClinVar variation 3659669 (VCV003659669.2).